The following is an entry in ClinVar:

NM_000214.3(JAG1):c.1527C>A (p.Phe509Leu)

Gene: JAG1 (jagged canonical Notch ligand 1; minus strand). Cytogenetic location: 20p12.2.
Variant type: single nucleotide variant.
Coding change: c.1527C>A on transcript NM_000214.3 (MANE Select); coding-DNA position 1527, C replaced by A.
Protein change: p.Phe509Leu; replaces phenylalanine 509 with leucine.
Molecular consequence: missense variant.
Genome position (GRCh38, 1-based): chr20:10,648,591, G>T on the plus strand (C>A on the coding strand, the complement: JAG1 is on the minus strand). VCF-style: chr20-10648591-G-T. GRCh37 (hg19) VCF-style: chr20-10629239-G-T.
Other names: p.Phe509Leu; c.1527C>A, p.Phe509Leu (LRG_1191t1); short protein forms F509L.
Identifiers: ClinVar variation 594458 (VCV000594458.19), dbSNP rs770377023, ClinGen allele CA9764833.

ClinVar aggregate classification (germline): Conflicting classifications of pathogenicity. Review status: criteria provided, conflicting classifications (1 of 4 stars). 8 submissions from 8 submitters: Uncertain significance (5); Benign (1); Likely benign (2). Last evaluated 2026-07-20.

Conditions:
JAG1-related disorder. Also called: JAG1-related condition; JAG1-related disorders.
Cardiovascular phenotype. Identifiers: MedGen CN230736.
Alagille syndrome due to a JAG1 point mutation. Also called: Alagille Syndrome 1; HEPATIC DUCTULAR HYPOPLASIA, SYNDROMATIC; JAG1-Related Alagille Syndrome. Identifiers: Orphanet 261619, Orphanet 52, MedGen C1956125, MONDO:0016862, OMIM 118450.

Allele frequency attached by ClinVar (database versions not stated): ExAC 0.00001; gnomAD exomes 0.00001; gnomAD 0.00003 and 0.00004; TOPMed 0.00003.

Submissions (8):

PreventionGenetics, part of Exact Sciences
Classification: Uncertain significance for JAG1-related condition. Last evaluated: 2026-07-20. Review status: criteria provided, single submitter. Criteria: ACMG Guidelines, 2015. Collection method: clinical testing. Allele origin: germline.
Comment: The JAG1 c.1527C>A variant is predicted to result in the amino acid substitution p.Phe509Leu. This variant was reported in an individual with hypothyroidism (Table S2, de Filippis et al 2017. PubMed ID: 28444304). This variant is reported in 0.015% of alleles in individuals of East Asian descent in gnomAD. Although we suspect that this variant may be benign, at this time, the clinical significance of this variant is uncertain due to the absence of conclusive functional and genetic evidence.

Mayo Clinic Laboratories, Mayo Clinic
Classification: Uncertain significance. Last evaluated: 2025-09-08. Review status: criteria provided, single submitter. Criteria: ACMG Guidelines, 2015. Collection method: clinical testing. Allele origin: germline. Observed: 2 variant alleles.
Comment: PP3_moderate

Labcorp Genetics (formerly Invitae), Labcorp
Classification: Uncertain significance for Alagille syndrome due to a JAG1 point mutation. Last evaluated: 2025-07-21. Review status: criteria provided, single submitter. Criteria: Invitae Variant Classification Sherloc (09022015). Collection method: clinical testing. Allele origin: germline.
Comment: This sequence change replaces phenylalanine, which is neutral and non-polar, with leucine, which is neutral and non-polar, at codon 509 of the JAG1 protein (p.Phe509Leu). This variant is present in population databases (rs770377023, gnomAD 0.03%). This variant has not been reported in the literature in individuals affected with JAG1-related conditions. ClinVar contains an entry for this variant (Variation ID: 594458). Invitae Evidence Modeling of protein sequence and biophysical properties (such as structural, functional, and spatial information, amino acid conservation, physicochemical variation, residue mobility, and thermodynamic stability) indicates that this missense variant is expected to disrupt JAG1 protein function with a positive predictive value of 95%. In summary, the available evidence is currently insufficient to determine the role of this variant in disease. Therefore, it has been classified as a Variant of Uncertain Significance.

Ambry Genetics
Classification: Benign for Cardiovascular phenotype. Last evaluated: 2025-03-12. Review status: criteria provided, single submitter. Criteria: Ambry Variant Classification Scheme 2023. Collection method: clinical testing. Allele origin: germline.

Victorian Clinical Genetics Services, Murdoch Childrens Research Institute
Classification: Likely benign for Alagille syndrome due to a JAG1 point mutation. Last evaluated: 2024-10-10. Review status: criteria provided, single submitter. Criteria: ACMG Guidelines, 2015. Collection method: clinical testing. Allele origin: germline. Inheritance: Autosomal dominant inheritance. Affected: yes.
Comment: Based on the classification scheme VCGS_Germline_v1.3.5, this variant is classified as Likely benign. Following criteria are met: 0102 - Loss of function is a known mechanism of disease in this gene and is associated with Alagille syndrome 1 (MIM#118450) and tetralogy of fallot (MIM#187500). The mechanism for Charcot-Marie-Tooth disease, axonal, type 2HH (MIM#619574) is not clearly established; however, loss of function is suggested (PMID: 32065591). (I) 0107 - This gene is associated with autosomal dominant disease. (I) 0200 - Variant is predicted to result in a missense amino acid change from phenylalanine to leucine. (I) 0251 - This variant is heterozygous. (I) 0302 - Variant is present in gnomAD (v4) <0.001 for a dominant condition (39 heterozygotes, 0 homozygotes). (SP) 0501 - Missense variant consistently predicted to be damaging by multiple in silico tools or highly conserved with a major amino acid change. (SP) 0600 - Variant is located in the annotated EGF-like domain (DECIPHER). (I) 0705 - No comparable missense variants have previous evidence for pathogenicity. (I) 0809 - Previous evidence of pathogenicity for this variant is inconclusive. This variant has been reported as a VUS by multiple clinical laboratories in ClinVar. It has also been identified in an individual with Kallmann syndrome from a cohort with congenital hypogonadotropic hypogonadism and in another cohort with congenital hypothyroidism; however, these are not considered JAG1-related conditions (PMIDs: 36729644, 28444304). (I) 0905 - No published segregation evidence has been identified for this variant. (I) 1010 - Functional evidence for this variant is inconclusive. Immunofluorescence assay to investigate cellular localisation of JAG1 variants showed that the p.(Phe509Leu) variant has increased retention within the ER. No further analyses were performed (PMID: 36729644). (I) 1208 - Inheritance information for this variant is not currently available in this individual. (I) Legend: (SP) - Supporting pathogenic, (I) - Information, (SB) - Supporting benign

Blueprint Genetics
Classification: Likely benign. Last evaluated: 2024-05-30. Review status: criteria provided, single submitter. Criteria: ACMG Guidelines, 2015. Collection method: clinical testing. Allele origin: germline.

Revvity Omics, Revvity
Classification: Uncertain significance. Last evaluated: 2019-10-18. Review status: criteria provided, single submitter. Criteria: ACMG Guidelines, 2015. Collection method: clinical testing. Allele origin: germline.

Eurofins Ntd Llc (ga)
Classification: Uncertain significance. Last evaluated: 2018-05-10. Review status: criteria provided, single submitter. Criteria: EGL ClinVar v180209 classification definitions. Collection method: clinical testing. Allele origin: germline. Observed: 4 variant alleles, 4 heterozygotes.

Literature cited by the submitters: PubMed 28444304 (cited by Mayo Clinic Laboratories, Mayo Clinic and Victorian Clinical Genetics Services, Murdoch Childrens Research Institute); PubMed 36729644 (cited by Mayo Clinic Laboratories, Mayo Clinic and Victorian Clinical Genetics Services, Murdoch Childrens Research Institute); PubMed 32065591 (cited by Victorian Clinical Genetics Services, Murdoch Childrens Research Institute).